The following is an entry in ClinVar:

ClinVar aggregate classification (germline): Uncertain significance (1 of 4 stars; one submission).

Conditions:
Charlevoix-Saguenay spastic ataxia (SACS). Also called: SPASTIC ATAXIA 6, AUTOSOMAL RECESSIVE; AUTOSOMAL RECESSIVE SPASTIC ATAXIA OF CHARLEVOIX-SAGUENAY; Spastic ataxia of Charlevoix-Saguenay. Identifiers: Orphanet 98, MedGen C1849140, MONDO:0010041, OMIM 270550.

Submission:

3billion
Classification: Uncertain significance for Charlevoix-Saguenay spastic ataxia. Last evaluated: 2023-02-23. Review status: criteria provided, single submitter. Criteria: ACMG Guidelines, 2015. Collection method: clinical testing. Allele origin: unknown. Affected: yes.
Comment: The variant is not observed in the gnomAD v2.1.1 dataset. In silico tool predictions suggest damaging effect of the variant on gene or gene product (REVEL: 0.87). Therefore, this variant is classified as VUS according to the recommendation of ACMG/AMP guideline.

NM_014363.6(SACS):c.1252C>G (p.Pro418Ala)

Gene: SACS (sacsin molecular chaperone; minus strand). Cytogenetic location: 13q12.12.
Variant type: single nucleotide variant.
Coding change: c.1252C>G on transcript NM_014363.6 (MANE Select); coding-DNA position 1252, C replaced by G.
Protein change: p.Pro418Ala; replaces proline 418 with alanine.
Molecular consequence: missense variant.
Genome position (GRCh38, 1-based): chr13:23,355,360, G>C on the plus strand (C>G on the coding strand, the complement: SACS is on the minus strand). VCF-style: chr13-23355360-G-C. GRCh37 (hg19) VCF-style: chr13-23929499-G-C.
Other names: c.811C>G, p.Pro271Ala (NM_001278055.2); short protein forms P271A, P418A.
Identifiers: ClinVar variation 2444233 (VCV002444233.1), dbSNP rs2542398240, ClinGen allele CA387549517.
Genomic context (GRCh38, chr13:23,355,360, plus strand): 5'-ACGTTGCTCCTTTTGCTTCATCATCTCTGCTTGATAAAGGCATGGCTATTCCAATGATTG[G>C]GACAAATTTCAGTTCATCAGCTAAAGAGTCAAGCTTACTACTGATCCCTCGCCCACCCAC-3'
Protein context (NP_055178.3, residues 408-428): DSLADELKFV[Pro418Ala]IIGIAMPLSS